The following is an entry in ClinVar:

NM_024426.6(WT1):c.1559T>C (p.Leu520Pro)

Gene: WT1 (WT1 transcription factor; minus strand). Cytogenetic location: 11p13.
Variant type: single nucleotide variant.
Coding change: c.1559T>C on transcript NM_024426.6 (MANE Select); coding-DNA position 1559, T replaced by C.
Protein change: p.Leu520Pro; replaces leucine 520 with proline.
Molecular consequence: missense variant. On other transcripts: non-coding transcript variant (1).
Genome position (GRCh38, 1-based): chr11:32,389,068, A>G on the plus strand (T>C on the coding strand, the complement: WT1 is on the minus strand). VCF-style: chr11-32389068-A-G. GRCh37 (hg19) VCF-style: chr11-32410614-A-G.
Other names: c.1499T>C, p.Leu500Pro (NM_000378.6); c.899T>C, p.Leu300Pro (NM_001198551.2); c.857T>C, p.Leu286Pro (NM_001198552.2); c.371T>C, p.Leu124Pro (NM_001367854.1); c.1544T>C, p.Leu515Pro (NM_001407044.1); c.1508T>C, p.Leu503Pro (NM_001407045.1); c.1466T>C, p.Leu489Pro (NM_001407046.1); c.1427T>C, p.Leu476Pro (NM_001407047.1); and 6 more; short protein forms L517P, L300P, L520P, L124P, L286P, L500P, L266P, L473P.
Identifiers: ClinVar variation 939929 (VCV000939929.16), dbSNP rs774228907, ClinGen allele CA064667.

ClinVar aggregate classification (germline): Conflicting classifications of pathogenicity. Review status: criteria provided, conflicting classifications (1 of 4 stars). 6 submissions from 6 submitters: Uncertain significance (5); Likely benign (1). Last evaluated 2026-01-01.

Conditions:
Drash syndrome (DDS). Also called: NEPHROPATHY, WILMS TUMOR, AND GENITAL ANOMALIES; WILMS TUMOR AND PSEUDO- OR TRUE HERMAPHRODITISM. Identifiers: Orphanet 220, MedGen C0950121, MONDO:0008682, OMIM 194080.
Meacham syndrome. Also called: Meacham Winn Culler syndrome. Identifiers: Orphanet 3097, MedGen C1837026, MONDO:0012164, OMIM 608978.
Mesothelioma, malignant (MESOM). Also called: Malignant mesothelioma (disease). Identifiers: Orphanet 50251, MedGen C0345967, MONDO:0006292, OMIM 156240, HP:0100001.
Frasier syndrome. Identifiers: Orphanet 347, MedGen C0950122, MeSH D052159, MONDO:0007635, OMIM 136680.
Nephrotic syndrome, type 4 (NPHS4). Also called: Familial mesangial sclerosis; Nephrotic syndrome, early onset with diffuse mesangial sclerosis. Identifiers: Orphanet 656, MedGen C3151568, MONDO:0009733, OMIM 256370.
Wilms tumor 1 (WT1). Also called: Wilms tumor, somatic. Identifiers: Orphanet 654, MedGen CN033288, MONDO:0008679, OMIM 194070.
11p partial monosomy syndrome (WAGR). Also called: WAGR Complex; WAGR Spectrum Disorder; WAGR syndrome; CHROMOSOME 11p13 DELETION SYNDROME. Identifiers: Orphanet 893, MedGen C0206115, MONDO:0008681, OMIM 194072.
Aniridia 1 (AN1). Identifiers: Orphanet 250923, MedGen C0344542, MONDO:0024507, OMIM 106210.
Inborn genetic diseases. Identifiers: MedGen C0950123, MeSH D030342.

Allele frequency attached by ClinVar (database versions not stated): TOPMed below 0.00001; gnomAD 0.00001; ExAC 0.00002; gnomAD exomes 0.00002.
gnomAD v4.1: 39 of 1,614,126 alleles (0.0024%); highest among the groups gnomAD compares: Non-Finnish European, 0.0031%; no homozygotes.

Submissions (6):

CeGaT Center for Human Genetics Tuebingen
Classification: Likely benign. Last evaluated: 2026-01-01. Review status: criteria provided, single submitter. Criteria: CeGaT Center For Human Genetics Tuebingen Variant Classification Criteria Version 2. Collection method: clinical testing. Allele origin: germline. Affected: yes. Observed: 1 variant allele.
Comment: WT1: BS2

Ambry Genetics
Classification: Uncertain significance for Inborn genetic diseases. Last evaluated: 2024-11-28. Review status: criteria provided, single submitter. Criteria: Ambry Variant Classification Scheme 2023. Collection method: clinical testing. Allele origin: germline.
Comment: The p.L515P variant (also known as c.1544T>C), located in coding exon 10 of the WT1 gene, results from a T to C substitution at nucleotide position 1544. The leucine at codon 515 is replaced by proline, an amino acid with similar properties. This amino acid position is conserved. In addition, this alteration is predicted to be tolerated by in silico analysis. Based on the available evidence, the clinical significance of this variant remains unclear.

Baylor Genetics
Classification: Uncertain significance for Drash syndrome. Last evaluated: 2024-03-08. Review status: criteria provided, single submitter. Criteria: ACMG Guidelines, 2015. Collection method: clinical testing. Allele origin: unknown.

GeneDx
Classification: Uncertain significance. Last evaluated: 2023-12-12. Review status: criteria provided, single submitter. Criteria: GeneDx Variant Classification Process June 2021. Collection method: clinical testing. Allele origin: germline. Affected: yes.
Comment: Not observed at significant frequency in large population cohorts (gnomAD); In silico analysis supports that this missense variant does not alter protein structure/function; Has not been previously published as pathogenic or benign to our knowledge

Labcorp Genetics (formerly Invitae), Labcorp
Classification: Uncertain significance for Wilms tumor 1; Drash syndrome; 11p partial monosomy syndrome; Frasier syndrome. Last evaluated: 2023-07-29. Review status: criteria provided, single submitter. Criteria: Invitae Variant Classification Sherloc (09022015). Collection method: clinical testing. Allele origin: germline.
Comment: In summary, the available evidence is currently insufficient to determine the role of this variant in disease. Therefore, it has been classified as a Variant of Uncertain Significance. Advanced modeling of protein sequence and biophysical properties (such as structural, functional, and spatial information, amino acid conservation, physicochemical variation, residue mobility, and thermodynamic stability) performed at Invitae indicates that this missense variant is not expected to disrupt WT1 protein function. ClinVar contains an entry for this variant (Variation ID: 939929). This variant has not been reported in the literature in individuals affected with WT1-related conditions. This variant is present in population databases (rs774228907, gnomAD 0.003%). This sequence change replaces leucine, which is neutral and non-polar, with proline, which is neutral and non-polar, at codon 515 of the WT1 protein (p.Leu515Pro).

Fulgent Genetics
Classification: Uncertain significance for Aniridia 1; Frasier syndrome; Mesothelioma, malignant; Wilms tumor 1; 11p partial monosomy syndrome; Drash syndrome; Nephrotic syndrome, type 4; Meacham syndrome. Last evaluated: 2021-10-29. Review status: criteria provided, single submitter. Criteria: ACMG Guidelines, 2015. Collection method: clinical testing. Allele origin: unknown.